The following is an entry in ClinVar:

NM_001103.4(ACTN2):c.877-42C>T

Gene: ACTN2 (actinin alpha 2; plus strand). Cytogenetic location: 1q43.
Variant type: single nucleotide variant.
Coding change: c.877-42C>T on transcript NM_001103.4 (MANE Select); 42 bases into the intron before coding-DNA position 877, C replaced by T.
Molecular consequence: intron variant.
Genome position (GRCh38, 1-based): chr1:236,739,260, C>T. VCF-style: chr1-236739260-C-T. GRCh37 (hg19) VCF-style: chr1-236902560-C-T.
Other names: c.253-42C>T (NM_001278344.2); c.877-42C>T (NM_001278343.2).
Identifiers: ClinVar variation 671061 (VCV000671061.6), dbSNP rs7527525, ClinGen allele CA1472994.

ClinVar aggregate classification (germline): Benign. Review status: criteria provided, multiple submitters, no conflicts (2 of 4 stars). 4 submissions from 4 submitters: Benign (4). Last evaluated 2026-09-21.

Conditions:
Myopathy, congenital, with structured cores and z-line abnormalities. Also called: MULTIPLE STRUCTURED CORE DISEASE; CONGENITAL MYOPATHY 8. Identifiers: MedGen C5231445, MONDO:0032852, OMIM 618654.

Allele frequency attached by ClinVar (database versions not stated): ESP Exome Variant Server 0.47978; 1000 Genomes Project 0.37240; 1000 Genomes Project 30x 0.36274.
gnomAD v4.1: 907,307 of 1,596,036 alleles (57%); highest among the groups gnomAD compares: Non-Finnish European, 61%; 268,340 homozygotes.

Submissions (4):

Molecular Diagnostic Laboratory for Inherited Cardiovascular Disease, Montreal Heart Institute
Classification: Benign. Last evaluated: 2026-09-21. Review status: criteria provided, single submitter. Criteria: ACMG Guidelines, 2015. Collection method: clinical testing. Allele origin: germline. Affected: no.
Comment: BA1

Genome-Nilou Lab
Classification: Benign for Myopathy, congenital, with structured cores and z-line abnormalities. Last evaluated: 2021-07-14. Review status: criteria provided, single submitter. Criteria: ACMG Guidelines, 2015. Collection method: clinical testing. Allele origin: germline. Affected: no.

GeneDx
Classification: Benign. Last evaluated: 2018-06-14. Review status: criteria provided, single submitter. Criteria: GeneDx Variant Classification (06012015). Collection method: clinical testing. Allele origin: germline. Affected: yes.
Comment: This variant is considered likely benign or benign based on one or more of the following criteria: it is a conservative change, it occurs at a poorly conserved position in the protein, it is predicted to be benign by multiple in silico algorithms, and/or has population frequency not consistent with disease.

Breakthrough Genomics
Classification: Benign. Review status: criteria provided, single submitter. Criteria: ACMG Guidelines, 2015. Collection method: not provided. Allele origin: germline. Inheritance: Autosomal dominant inheritance. Affected: yes.